The following is an entry in ClinVar:

ClinVar aggregate classification (germline): Conflicting classifications of pathogenicity. Review status: criteria provided, conflicting classifications (1 of 4 stars). 3 submissions from 3 submitters: Uncertain significance (1); Likely benign (2). Last evaluated 2025-09-10.

Conditions:
Pitt-Hopkins-like syndrome 2 (PTHSL2). Identifiers: Orphanet 221150, Orphanet 600663, MedGen C3280479, MONDO:0013690, OMIM 614325.

Allele frequency attached by ClinVar (database versions not stated): gnomAD 0.00001; gnomAD exomes 0.00001; TOPMed 0.00001; ExAC 0.00002.
gnomAD v4.1: 34 of 1,567,014 alleles (0.0022%); highest among the groups gnomAD compares: Non-Finnish European, 0.0029%; no homozygotes.

Submissions (3):

Labcorp Genetics (formerly Invitae), Labcorp
Classification: Likely benign for Pitt-Hopkins-like syndrome 2. Last evaluated: 2025-09-10. Review status: criteria provided, single submitter. Criteria: Invitae Variant Classification Sherloc (09022015). Collection method: clinical testing. Allele origin: germline.

GeneDx
Classification: Likely benign. Last evaluated: 2017-03-03. Review status: criteria provided, single submitter. Criteria: GeneDx Variant Classification (06012015). Collection method: clinical testing. Allele origin: germline. Affected: yes.
Comment: This variant is considered likely benign or benign based on one or more of the following criteria: it is a conservative change, it occurs at a poorly conserved position in the protein, it is predicted to be benign by multiple in silico algorithms, and/or has population frequency not consistent with disease.

Genetic Services Laboratory, University of Chicago
Classification: Uncertain significance. Last evaluated: 2015-01-29. Review status: criteria provided, single submitter. Criteria: ACMG Guidelines, 2015. Collection method: clinical testing. Allele origin: germline.

NM_001330078.2(NRXN1):c.772+1024C>G

Gene: NRXN1 (neurexin 1; minus strand). Cytogenetic location: 2p16.3.
Variant type: single nucleotide variant.
Coding change: c.772+1024C>G on transcript NM_001330078.2 (MANE Select); 1024 bases into the intron after coding-DNA position 772, C replaced by G.
Molecular consequence: intron variant.
Genome position (GRCh38, 1-based): chr2:51,026,478, G>C on the plus strand (C>G on the coding strand, the complement: NRXN1 is on the minus strand). VCF-style: chr2-51026478-G-C. GRCh37 (hg19) VCF-style: chr2-51253616-G-C.
Other names: c.772+1024C>G (NM_001330096.2, NM_001330087.2, NM_001330083.2 and 14 more transcripts); c.773-9C>G (NM_001135659.3).
Identifiers: ClinVar variation 211695 (VCV000211695.15), dbSNP rs199645252, ClinGen allele CA205964.